The following is an entry in ClinVar:

ClinVar aggregate classification (germline): Uncertain significance (1 of 4 stars; one submission).

gnomAD v4.1: 1 of 1,614,012 alleles (0.000062%); highest among the groups gnomAD compares: Non-Finnish European, 0.000085%; no homozygotes.

Submission:

Labcorp Genetics (formerly Invitae), Labcorp
Classification: Uncertain significance. Last evaluated: 2023-08-22. Review status: criteria provided, single submitter. Criteria: Invitae Variant Classification Sherloc (09022015). Collection method: clinical testing. Allele origin: germline.
Comment: This sequence change replaces threonine, which is neutral and polar, with isoleucine, which is neutral and non-polar, at codon 920 of the ALPK3 protein (p.Thr920Ile). This variant is not present in population databases (gnomAD no frequency). This variant has not been reported in the literature in individuals affected with ALPK3-related conditions. Advanced modeling of protein sequence and biophysical properties (such as structural, functional, and spatial information, amino acid conservation, physicochemical variation, residue mobility, and thermodynamic stability) performed at Invitae indicates that this missense variant is not expected to disrupt ALPK3 protein function. In summary, the available evidence is currently insufficient to determine the role of this variant in disease. Therefore, it has been classified as a Variant of Uncertain Significance.

NM_020778.5(ALPK3):c.2153C>T (p.Thr718Ile)

Gene: ALPK3 (alpha kinase 3; plus strand). Cytogenetic location: 15q25.3.
Variant type: single nucleotide variant.
Coding change: c.2153C>T on transcript NM_020778.5 (MANE Select); coding-DNA position 2153, C replaced by T.
Protein change: p.Thr718Ile; replaces threonine 718 with isoleucine.
Molecular consequence: missense variant.
Genome position (GRCh38, 1-based): chr15:84,856,891, C>T. VCF-style: chr15-84856891-C-T. GRCh37 (hg19) VCF-style: chr15-85400122-C-T.
Other names: short protein forms T718I.
Identifiers: ClinVar variation 2965718 (VCV002965718.3), dbSNP rs2505719717, ClinGen allele CA393356135.